The following is an entry in ClinVar:

NM_031475.3(ESPN):c.1636C>T (p.Arg546Cys)

Gene: ESPN (espin; plus strand). Cytogenetic location: 1p36.31.
Variant type: single nucleotide variant.
Coding change: c.1636C>T on transcript NM_031475.3 (MANE Select); coding-DNA position 1636, C replaced by T.
Protein change: p.Arg546Cys; replaces arginine 546 with cysteine.
Molecular consequence: missense variant. On other transcripts: intron variant (2).
Genome position (GRCh38, 1-based): chr1:6,448,812, C>T. VCF-style: chr1-6448812-C-T. GRCh37 (hg19) VCF-style: chr1-6508872-C-T.
Other names: p.Arg546Cys; c.1626+10C>T (NM_001367474.1, NM_001367473.1); short protein forms R546C.
Identifiers: ClinVar variation 508563 (VCV000508563.11), dbSNP rs138198721, ClinGen allele CA560281.

ClinVar aggregate classification (germline): Benign. Review status: criteria provided, multiple submitters, no conflicts (2 of 4 stars). 4 submissions from 4 submitters: Benign (4). Last evaluated 2026-02-02.

Allele frequency attached by ClinVar (database versions not stated): gnomAD 0.20024 and 0.21005; gnomAD exomes 0.21474; 1000 Genomes Project 0.21625; TOPMed 0.21779; 1000 Genomes Project 30x 0.22580; ExAC 0.25540.
gnomAD v4.1: 116,576 of 1,251,918 alleles (9.3%); highest among the groups gnomAD compares: African/African-American, 55%; 12,914 homozygotes.

Submissions (4):

Labcorp Genetics (formerly Invitae), Labcorp
Classification: Benign. Last evaluated: 2026-02-02. Review status: criteria provided, single submitter. Criteria: Invitae Variant Classification Sherloc (09022015). Collection method: clinical testing. Allele origin: germline.

Mayo Clinic Laboratories, Mayo Clinic
Classification: Benign. Last evaluated: 2019-05-13. Review status: criteria provided, single submitter. Criteria: ACMG Guidelines, 2015. Collection method: clinical testing. Allele origin: germline. Observed: 32 variant alleles.

GeneDx
Classification: Benign. Last evaluated: 2017-05-09. Review status: criteria provided, single submitter. Criteria: GeneDx Variant Classification (06012015). Collection method: clinical testing. Allele origin: germline. Affected: yes.
Comment: This variant is considered likely benign or benign based on one or more of the following criteria: it is a conservative change, it occurs at a poorly conserved position in the protein, it is predicted to be benign by multiple in silico algorithms, and/or has population frequency not consistent with disease.

Breakthrough Genomics
Classification: Benign. Review status: criteria provided, single submitter. Criteria: ACMG Guidelines, 2015. Collection method: not provided. Allele origin: germline. Inheritance: Autosomal recessive inheritance. Affected: yes.